The following is an entry in ClinVar:

NM_000368.5(TSC1):c.278T>C (p.Leu93Pro)

Gene: TSC1 (TSC complex subunit 1; minus strand). Cytogenetic location: 9q34.13.
Variant type: single nucleotide variant.
Coding change: c.278T>C on transcript NM_000368.5 (MANE Select); coding-DNA position 278, T replaced by C.
Protein change: p.Leu93Pro; replaces leucine 93 with proline.
Molecular consequence: missense variant. On other transcripts: 5 prime UTR variant (1), intron variant (1).
Genome position (GRCh38, 1-based): chr9:132,925,672, A>G on the plus strand (T>C on the coding strand, the complement: TSC1 is on the minus strand). VCF-style: chr9-132925672-A-G. GRCh37 (hg19) VCF-style: chr9-135801059-A-G.
Other names: c.278T>C, p.Leu93Pro (NM_001162426.2); c.-86T>C (NM_001362177.2); c.210+1529T>C (NM_001162427.2); short protein forms L93P.
Identifiers: ClinVar variation 940928 (VCV000940928.12), dbSNP rs118203363, ClinGen allele CA375374609.

ClinVar aggregate classification (germline): Uncertain significance. Review status: criteria provided, multiple submitters, no conflicts (2 of 4 stars). 3 submissions from 3 submitters: Uncertain significance (2). 1 of the submissions does not count toward it. Last evaluated 2023-04-18.

Conditions:
Tuberous sclerosis 1 (TSC1). Identifiers: Orphanet 805, MedGen C1854465, MONDO:0008612, OMIM 191100.

Submissions (3):

Blueprint Genetics
Classification: Uncertain significance. Last evaluated: 2023-04-18. Review status: criteria provided, single submitter. Criteria: ACMG Guidelines, 2015. Collection method: clinical testing. Allele origin: germline.

Labcorp Genetics (formerly Invitae), Labcorp
Classification: Uncertain significance for Tuberous sclerosis 1. Last evaluated: 2019-09-11. Review status: criteria provided, single submitter. Criteria: Invitae Variant Classification Sherloc (09022015). Collection method: clinical testing. Allele origin: germline.
Comment: In summary, the available evidence is currently insufficient to determine the role of this variant in disease. Therefore, it has been classified as a Variant of Uncertain Significance. Algorithms developed to predict the effect of missense changes on protein structure and function are either unavailable or do not agree on the potential impact of this missense change (SIFT: "Deleterious"; PolyPhen-2: "Probably Damaging"; Align-GVGD: "Class C0"). This variant has not been reported in the literature in individuals with TSC1-related conditions. This variant is not present in population databases (ExAC no frequency). This sequence change replaces leucine with proline at codon 93 of the TSC1 protein (p.Leu93Pro). The leucine residue is highly conserved and there is a moderate physicochemical difference between leucine and proline.

Department of Developmental Neurology, Medical University of Gdansk
No classification provided. Condition: Tuberous sclerosis 1. Review status: no classification provided. Collection method: phenotyping only. Allele origin: unknown. Inheritance: Autosomal dominant inheritance. Affected: yes. Observed: 1 heterozygote. Not counted in ClinVar's aggregate classification.